The following is an entry in ClinVar:

ClinVar aggregate classification (germline): Uncertain significance (1 of 4 stars; one submission).

Conditions:
Dyskeratosis congenita. Identifiers: Orphanet 1775, MedGen C0265965, MONDO:0015780.

Allele frequency attached by ClinVar (database versions not stated): ExAC 0.00001.
gnomAD v4.1: 20 of 1,612,862 alleles (0.0012%); highest among the groups gnomAD compares: Non-Finnish European, 0.0016%; no homozygotes.

Submission:

Ambry Genetics
Classification: Uncertain significance for Dyskeratosis congenita. Last evaluated: 2022-11-16. Review status: criteria provided, single submitter. Criteria: Ambry Variant Classification Scheme 2023. Collection method: clinical testing. Allele origin: germline.
Comment: The p.A778S variant (also known as c.2332G>T), located in coding exon 7 of the TERT gene, results from a G to T substitution at nucleotide position 2332. The alanine at codon 778 is replaced by serine, an amino acid with similar properties. This amino acid position is conserved. In addition, this alteration is predicted to be tolerated by in silico analysis. Since supporting evidence is limited at this time, the clinical significance of this alteration remains unclear.

NM_198253.3(TERT):c.2332G>T (p.Ala778Ser)

Gene: TERT (telomerase reverse transcriptase; minus strand). Cytogenetic location: 5p15.33.
Variant type: single nucleotide variant.
Coding change: c.2332G>T on transcript NM_198253.3 (MANE Select); coding-DNA position 2332, G replaced by T.
Protein change: p.Ala778Ser; replaces alanine 778 with serine.
Molecular consequence: missense variant.
Genome position (GRCh38, 1-based): chr5:1,272,235, C>A on the plus strand (G>T on the coding strand, the complement: TERT is on the minus strand). VCF-style: chr5-1272235-C-A. GRCh37 (hg19) VCF-style: chr5-1272350-C-A.
Other names: c.2332G>T, p.Ala778Ser (NM_001193376.3, NM_003219.1); short protein forms A778S.
Identifiers: ClinVar variation 3238553 (VCV003238553.1), dbSNP rs781360741.
Genomic context (GRCh38, chr5:1,272,235, plus strand): 5'-GTGCCCAGACCTGCTCGATGACGACGGCATCCCTCAGCGGGCTGGTCTCCTGCAGGTGAG[C>A]CACGAACTGTCGCATGTACGGCTGGAGGTCTGTCAAGGTAGAGACCTGCCGGCAGAGGAG-3'
Protein context (NP_937983.2, residues 768-788): DLQPYMRQFV[Ala778Ser]HLQETSPLRD